The following is an entry in ClinVar:

ClinVar aggregate classification (germline): Uncertain significance. Review status: criteria provided, multiple submitters, no conflicts (2 of 4 stars). 3 submissions from 3 submitters: Uncertain significance (2). 1 of the submissions does not count toward it. Last evaluated 2025-04-16.

Conditions:
Inborn genetic diseases. Identifiers: MedGen C0950123, MeSH D030342.
Usher syndrome type 1 (USH1). Also called: RETINITIS PIGMENTOSA AND CONGENITAL DEAFNESS. Identifiers: Orphanet 231169, Orphanet 886, MedGen C1568247, MONDO:0010168, OMIM 276900.

Allele frequency attached by ClinVar (database versions not stated): gnomAD 0.00001; TOPMed 0.00001; gnomAD exomes 0.00001; ExAC 0.00002.
gnomAD v4.1: 20 of 1,613,864 alleles (0.0012%); highest among the groups gnomAD compares: Non-Finnish European, 0.0016%; no homozygotes.

Submissions (3):

Ambry Genetics
Classification: Uncertain significance for Inborn genetic diseases. Last evaluated: 2025-04-16. Review status: criteria provided, single submitter. Criteria: Ambry Variant Classification Scheme 2023. Collection method: clinical testing. Allele origin: germline.

Labcorp Genetics (formerly Invitae), Labcorp
Classification: Uncertain significance. Last evaluated: 2022-03-10. Review status: criteria provided, single submitter. Criteria: Invitae Variant Classification Sherloc (09022015). Collection method: clinical testing. Allele origin: germline.
Comment: This sequence change replaces asparagine, which is neutral and polar, with threonine, which is neutral and polar, at codon 221 of the CDH23 protein (p.Asn221Thr). This variant is present in population databases (rs766721575, gnomAD 0.003%). This variant has not been reported in the literature in individuals affected with CDH23-related conditions. ClinVar contains an entry for this variant (Variation ID: 991903). Algorithms developed to predict the effect of missense changes on protein structure and function are either unavailable or do not agree on the potential impact of this missense change (SIFT: "Tolerated"; PolyPhen-2: "Not Available"; Align-GVGD: "Class C0"). In summary, the available evidence is currently insufficient to determine the role of this variant in disease. Therefore, it has been classified as a Variant of Uncertain Significance.

Natera, Inc.
Classification: Uncertain significance for Usher syndrome type 1. Last evaluated: 2020-08-15. Review status: no assertion criteria provided. Collection method: clinical testing. Allele origin: germline. Not counted in ClinVar's aggregate classification.

NM_022124.6(CDH23):c.662A>C (p.Asn221Thr)

Gene: CDH23 (cadherin related 23; plus strand). Cytogenetic location: 10q22.1.
Variant type: single nucleotide variant.
Coding change: c.662A>C on transcript NM_022124.6 (MANE Select); coding-DNA position 662, A replaced by C.
Protein change: p.Asn221Thr; replaces asparagine 221 with threonine.
Molecular consequence: missense variant.
Genome position (GRCh38, 1-based): chr10:71,570,827, A>C. VCF-style: chr10-71570827-A-C. GRCh37 (hg19) VCF-style: chr10-73330584-A-C.
Other names: c.662A>C (NM_022124.5); c.662A>C, p.Asn221Thr (NM_001171930.2, NM_001171931.2, NM_001171932.2 and 1 more transcripts); short protein forms N221T.
Identifiers: ClinVar variation 991903 (VCV000991903.4), dbSNP rs766721575, ClinGen allele CA5543516.